The following is an entry in ClinVar:

NM_001377.3(DYNC2H1):c.7793C>G (p.Pro2598Arg)

Gene: DYNC2H1 (dynein cytoplasmic 2 heavy chain 1; plus strand). Cytogenetic location: 11q22.3.
Variant type: single nucleotide variant.
Coding change: c.7793C>G on transcript NM_001377.3 (MANE Select); coding-DNA position 7793, C replaced by G.
Protein change: p.Pro2598Arg; replaces proline 2598 with arginine.
Molecular consequence: missense variant.
Genome position (GRCh38, 1-based): chr11:103,198,017, C>G. VCF-style: chr11-103198017-C-G. GRCh37 (hg19) VCF-style: chr11-103068746-C-G.
Other names: c.7793C>G, p.Pro2598Arg (NM_001080463.2); c.7793C>G (NM_001080463.1); short protein forms P2598R.
Identifiers: ClinVar variation 2441072 (VCV002441072.4), dbSNP rs1419821485, ClinGen allele CA382255722.

ClinVar aggregate classification (germline): Uncertain significance. Review status: criteria provided, multiple submitters, no conflicts (2 of 4 stars). 2 submissions from 2 submitters: Uncertain significance (2). Last evaluated 2025-06-04.

Conditions:
Asphyxiating thoracic dystrophy 3. Also called: POLYDACTYLY WITH NEONATAL CHONDRODYSTROPHY, TYPE I; SHORT-RIB THORACIC DYSPLASIA 3/6 WITH POLYDACTYLY, DIGENIC; Short rib polydactyly syndrome 2B; SHORT-RIB THORACIC DYSPLASIA 3 WITH OR WITHOUT POLYDACTYLY; Saldino-Noonan Syndrome. Identifiers: Orphanet 474, Orphanet 93269, Orphanet 93270, Orphanet 93271, MedGen C0036069, MONDO:0013127, OMIM 613091.

Allele frequency attached by ClinVar (database versions not stated): TOPMed below 0.00001; gnomAD 0.00001.
gnomAD v4.1: 1 of 1,554,848 alleles (0.000064%); highest among the groups gnomAD compares: Non-Finnish European, 0.000087%; no homozygotes.

Submissions (2):

GeneDx
Classification: Uncertain significance. Last evaluated: 2025-06-04. Review status: criteria provided, single submitter. Criteria: GeneDx Variant Classification Process June 2021. Collection method: clinical testing. Allele origin: germline. Affected: yes.
Comment: Not observed at significant frequency in large population cohorts (gnomAD); In silico analysis supports that this missense variant has a deleterious effect on protein structure/function; Has not been previously published as pathogenic or benign to our knowledge

Revvity Omics, Revvity
Classification: Uncertain significance for Asphyxiating thoracic dystrophy 3. Last evaluated: 2022-03-29. Review status: criteria provided, single submitter. Criteria: ACMG Guidelines, 2015. Collection method: clinical testing. Allele origin: germline.